The following is an entry in ClinVar:

ClinVar aggregate classification (germline): Pathogenic (1 of 4 stars; one submission).

Conditions:
Primary ciliary dyskinesia. Also called: Ciliary dyskinesia. Identifiers: Orphanet 244, MedGen C0008780, MONDO:0016575, HP:0012265.

Submission:

Labcorp Genetics (formerly Invitae), Labcorp
Classification: Pathogenic for Primary ciliary dyskinesia. Last evaluated: 2023-02-03. Review status: criteria provided, single submitter. Criteria: Invitae Variant Classification Sherloc (09022015). Collection method: clinical testing. Allele origin: unknown.
Comment: This variant is a gross deletion of the genomic region encompassing exon(s) 6 of the DNAI2 gene. This variant would be expected to be in-frame, preserving the integrity of the reading frame. This variant has not been reported in the literature in individuals affected with DNAI2-related conditions. This variant disrupts a region of the DNAI2 protein in which other variant(s) (p.Gly234Asp) have been determined to be pathogenic (Invitae). This suggests that this is a clinically significant region of the protein, and that variants that disrupt it are likely to be disease-causing. For these reasons, this variant has been classified as Pathogenic.

NC_000017.10:g.(?_72287139)_(72287292_?)del

Gene: DNAI2 (dynein axonemal intermediate chain 2; plus strand). Cytogenetic location: 17q25.1.
Variant type: Deletion.
Identifiers: ClinVar variation 3242825 (VCV003242825.1).